The following is an entry in ClinVar:

ClinVar aggregate classification (germline): Likely benign. Review status: criteria provided, multiple submitters, no conflicts (2 of 4 stars). 2 submissions from 2 submitters: Likely benign (2). Last evaluated 2025-12-01.

Submissions (2):

CeGaT Center for Human Genetics Tuebingen
Classification: Likely benign. Last evaluated: 2025-12-01. Review status: criteria provided, single submitter. Criteria: CeGaT Center For Human Genetics Tuebingen Variant Classification Criteria Version 2. Collection method: clinical testing. Allele origin: germline. Affected: yes. Observed: 2 variant alleles.
Comment: MUC5B: BP4, BS1

Blueprint Genetics
Classification: Likely benign. Last evaluated: 2024-11-26. Review status: criteria provided, single submitter. Criteria: ACMG Guidelines, 2015. Collection method: clinical testing. Allele origin: germline.

NM_002458.3(MUC5B):c.8063C>T (p.Pro2688Leu)

Genes: MUC5B (mucin 5B, oligomeric mucus/gel-forming; plus strand), MUC5B-AS1 (MUC5B antisense RNA 1; minus strand). Cytogenetic location: 11p15.5.
Variant type: single nucleotide variant.
Coding change: c.8063C>T on transcript NM_002458.3 (MANE Select); coding-DNA position 8063, C replaced by T.
Protein change: p.Pro2688Leu; replaces proline 2688 with leucine.
Molecular consequence: missense variant.
Genome position (GRCh38, 1-based): chr11:1,244,943, C>T. VCF-style: chr11-1244943-C-T. GRCh37 (hg19) VCF-style: chr11-1266173-C-T.
Other names: short protein forms P2688L.
Identifiers: ClinVar variation 3257620 (VCV003257620.18).